The following is an entry in ClinVar:

NM_000059.4(BRCA2):c.1002del (p.His334fs)

Gene: BRCA2 (BRCA2 DNA repair associated; plus strand). Cytogenetic location: 13q13.1.
Variant type: Deletion.
Coding change: c.1002del on transcript NM_000059.4 (MANE Select); coding-DNA position 1002, one base deleted (T; older notation c.1002delT).
Protein change: p.His334fs; shifts the reading frame from histidine 334.
Molecular consequence: frameshift variant. On other transcripts: non-coding transcript variant (1), intron variant (1).
Genome position (GRCh38, 1-based): chr13:32,332,480, T deleted. VCF-style (leftmost placement, unchanged base first): chr13-32332479-AT-A. GRCh37 (hg19) VCF-style: chr13-32906616-AT-A.
Other names: c.1002del, p.His334fs (NM_001406719.1, NM_001406720.1, NM_001406721.1); c.424+1450del (NM_001406722.1); short protein forms H334fs.
Identifiers: ClinVar variation 3224974 (VCV003224974.2), dbSNP rs2548519333, ClinGen allele CA2695217997.

ClinVar aggregate classification (germline): Pathogenic. Review status: criteria provided, multiple submitters, no conflicts (2 of 4 stars). 2 submissions from 2 submitters: Pathogenic (2). Last evaluated 2026-01-18.

Conditions:
Hereditary breast ovarian cancer syndrome. Also called: Hereditary breast and ovarian cancer syndrome (HBOC); Breast and ovarian cancer; Hereditary breast and/or ovarian cancer syndrome; BRCA1- and BRCA2-Associated Hereditary Breast and Ovarian Cancer; Hereditary breast and ovarian cancer syndrome; Hereditary breast and ovarian cancer. Identifiers: Orphanet 145, MedGen C0677776, MeSH D061325, MONDO:0003582. Disease mechanism: loss of function.
Hereditary cancer-predisposing syndrome. Also called: Neoplastic Syndromes, Hereditary; Tumor predisposition; Hereditary neoplastic syndrome; Hereditary Cancer Syndrome. Identifiers: Orphanet 140162, MedGen C0027672, MeSH D009386, MONDO:0015356.

Submissions (2):

Labcorp Genetics (formerly Invitae), Labcorp
Classification: Pathogenic for Hereditary breast ovarian cancer syndrome. Last evaluated: 2026-01-18. Review status: criteria provided, single submitter. Criteria: Invitae Variant Classification Sherloc (09022015). Collection method: clinical testing. Allele origin: germline.
Comment: This sequence change creates a premature translational stop signal (p.His334Glnfs*15) in the BRCA2 gene. It is expected to result in an absent or disrupted protein product. Loss-of-function variants in BRCA2 are known to be pathogenic (PMID: 20104584). This variant is not present in population databases (gnomAD no frequency). This premature translational stop signal has been observed in individual(s) with breast cancer and ovarian cancer (PMID: 34680878). ClinVar contains an entry for this variant (Variation ID: 3224974). For these reasons, this variant has been classified as Pathogenic.

Ambry Genetics
Classification: Pathogenic for Hereditary cancer-predisposing syndrome. Last evaluated: 2024-02-27. Review status: criteria provided, single submitter. Criteria: Ambry Variant Classification Scheme 2023. Collection method: clinical testing. Allele origin: germline.
Comment: The c.1002delT pathogenic mutation, located in coding exon 9 of the BRCA2 gene, results from a deletion of one nucleotide at nucleotide position 1002, causing a translational frameshift with a predicted alternate stop codon (p.H334Qfs*15). This variant has been reported in one individual with breast and ovarian cancer from a cohort of 228 patients (Resch LD et al. Genes (Basel), 2021 Sep;12:). This variant is considered to be rare based on population cohorts in the Genome Aggregation Database (gnomAD). This alteration is expected to result in loss of function by premature protein truncation or nonsense-mediated mRNA decay. As such, this alteration is interpreted as a disease-causing mutation.

Literature cited by the submitters: PubMed 20104584 (cited by Labcorp Genetics (formerly Invitae), Labcorp); PubMed 34680878 (cited by Labcorp Genetics (formerly Invitae), Labcorp and Ambry Genetics).